The following is an entry in ClinVar:

ClinVar aggregate classification (germline): Uncertain significance. Review status: criteria provided, multiple submitters, no conflicts (2 of 4 stars). 2 submissions from 2 submitters: Uncertain significance (2). Last evaluated 2024-04-23.

Conditions:
Autosomal recessive inherited pseudoxanthoma elasticum (PXE). Identifiers: Orphanet 758, MedGen CN032334, MONDO:0009925, OMIM 264800.
Pseudoxanthoma elasticum, forme fruste. Also called: Pseudoxanthoma Elasticum, Incomplete; PSEUDOXANTHOMA ELASTICUM, HETEROZYGOUS. Identifiers: Orphanet 758, MedGen C1867450, MONDO:0008333, OMIM 177850.
Arterial calcification, generalized, of infancy, 2. Identifiers: Orphanet 51608, MedGen C3276161, MONDO:0013768, OMIM 614473.

Allele frequency attached by ClinVar (database versions not stated): gnomAD 0.00005 and 0.00006; TOPMed 0.00008; ExAC 0.00009; 1000 Genomes Project 0.00020; gnomAD exomes 0.00004 and 0.00009.
gnomAD v4.1: 71 of 1,613,326 alleles (0.0044%); highest among the groups gnomAD compares: Admixed American, 0.037%; no homozygotes.

Submissions (2):

Fulgent Genetics
Classification: Uncertain significance for Pseudoxanthoma elasticum, forme fruste; Autosomal recessive inherited pseudoxanthoma elasticum; Arterial calcification, generalized, of infancy, 2. Last evaluated: 2024-04-23. Review status: criteria provided, single submitter. Criteria: ACMG Guidelines, 2015. Collection method: clinical testing. Allele origin: germline.

Labcorp Genetics (formerly Invitae), Labcorp
Classification: Uncertain significance. Last evaluated: 2022-09-13. Review status: criteria provided, single submitter. Criteria: Invitae Variant Classification Sherloc (09022015). Collection method: clinical testing. Allele origin: germline.
Comment: This sequence change replaces valine, which is neutral and non-polar, with methionine, which is neutral and non-polar, at codon 1404 of the ABCC6 protein (p.Val1404Met). This variant is present in population databases (rs200485267, gnomAD 0.04%). This variant has not been reported in the literature in individuals affected with ABCC6-related conditions. ClinVar contains an entry for this variant (Variation ID: 1383201). Algorithms developed to predict the effect of missense changes on protein structure and function output the following: SIFT: "Tolerated"; PolyPhen-2: "Probably Damaging"; Align-GVGD: "Class C0". The methionine amino acid residue is found in multiple mammalian species, which suggests that this missense change does not adversely affect protein function. In summary, the available evidence is currently insufficient to determine the role of this variant in disease. Therefore, it has been classified as a Variant of Uncertain Significance.

NM_001171.6(ABCC6):c.4210G>A (p.Val1404Met)

Gene: ABCC6 (ATP binding cassette subfamily C member 6; minus strand). Cytogenetic location: 16p13.11.
Variant type: single nucleotide variant.
Coding change: c.4210G>A on transcript NM_001171.6 (MANE Select); coding-DNA position 4210, G replaced by A.
Protein change: p.Val1404Met; replaces valine 1404 with methionine.
Molecular consequence: missense variant. On other transcripts: non-coding transcript variant (1).
Genome position (GRCh38, 1-based): chr16:16,150,771, C>T on the plus strand (G>A on the coding strand, the complement: ABCC6 is on the minus strand). VCF-style: chr16-16150771-C-T. GRCh37 (hg19) VCF-style: chr16-16244628-C-T.
Other names: c.3868G>A, p.Val1290Met (NM_001351800.1); short protein forms V1404M, V1290M.
Identifiers: ClinVar variation 1383201 (VCV001383201.5), dbSNP rs200485267, ClinGen allele CA7925254.